The following is an entry in ClinVar:

ClinVar aggregate classification (germline): Uncertain significance (1 of 4 stars; one submission).

Submission:

Labcorp Genetics (formerly Invitae), Labcorp
Classification: Uncertain significance. Last evaluated: 2021-08-09. Review status: criteria provided, single submitter. Criteria: Invitae Variant Classification Sherloc (09022015). Collection method: clinical testing. Allele origin: germline.
Comment: This sequence change replaces valine with isoleucine at codon 121 of the GPX4 protein (p.Val121Ile). The valine residue is weakly conserved and there is a small physicochemical difference between valine and isoleucine. This variant is not present in population databases (ExAC no frequency). This variant has not been reported in the literature in individuals affected with GPX4-related conditions. Algorithms developed to predict the effect of missense changes on protein structure and function are either unavailable or do not agree on the potential impact of this missense change (SIFT: "Tolerated"; PolyPhen-2: "Not Available"; Align-GVGD: "Class C0"). In summary, the available evidence is currently insufficient to determine the role of this variant in disease. Therefore, it has been classified as a Variant of Uncertain Significance.

NM_002085.5(GPX4):c.250G>A (p.Val84Ile)

Gene: GPX4 (glutathione peroxidase 4; plus strand). Cytogenetic location: 19p13.3.
Variant type: single nucleotide variant.
Coding change: c.250G>A on transcript NM_002085.5 (MANE Select); coding-DNA position 250, G replaced by A.
Protein change: p.Val84Ile; replaces valine 84 with isoleucine.
Molecular consequence: missense variant.
Genome position (GRCh38, 1-based): chr19:1,105,436, G>A. VCF-style: chr19-1105436-G-A. GRCh37 (hg19) VCF-style: chr19-1105435-G-A.
Other names: c.250G>A, p.Val84Ile (NM_001039847.3); c.361G>A, p.Val121Ile (NM_001039848.4); c.169G>A, p.Val57Ile (NM_001367832.1); short protein forms V57I, V121I, V84I.
Identifiers: ClinVar variation 1408080 (VCV001408080.6), dbSNP rs777236046, ClinGen allele CA402937073.